The following is an entry in ClinVar:

ClinVar aggregate classification (germline): Uncertain significance (1 of 4 stars; one submission).

Allele frequency attached by ClinVar (database versions not stated): gnomAD exomes 0.00001; ExAC 0.00003.

Submission:

Labcorp Genetics (formerly Invitae), Labcorp
Classification: Uncertain significance. Last evaluated: 2022-05-07. Review status: criteria provided, single submitter. Criteria: Invitae Variant Classification Sherloc (09022015). Collection method: clinical testing. Allele origin: germline.
Comment: This sequence change replaces alanine, which is neutral and non-polar, with threonine, which is neutral and polar, at codon 7 of the XPA protein (p.Ala7Thr). This variant is present in population databases (rs776601238, gnomAD 0.003%). This variant has not been reported in the literature in individuals affected with XPA-related conditions. Algorithms developed to predict the effect of missense changes on protein structure and function output the following: SIFT: "Not Available"; PolyPhen-2: "Not Available"; Align-GVGD: "Not Available". The threonine amino acid residue is found in multiple mammalian species, which suggests that this missense change does not adversely affect protein function. In summary, the available evidence is currently insufficient to determine the role of this variant in disease. Therefore, it has been classified as a Variant of Uncertain Significance.

NM_000380.4(XPA):c.19G>A (p.Ala7Thr)

Gene: XPA (XPA, DNA damage recognition and repair factor; minus strand). Cytogenetic location: 9q22.33.
Variant type: single nucleotide variant.
Coding change: c.19G>A on transcript NM_000380.4 (MANE Select); coding-DNA position 19, G replaced by A.
Protein change: p.Ala7Thr; replaces alanine 7 with threonine.
Molecular consequence: missense variant. On other transcripts: 5 prime UTR variant (1), non-coding transcript variant (5).
Genome position (GRCh38, 1-based): chr9:97,697,274, C>T on the plus strand (G>A on the coding strand, the complement: XPA is on the minus strand). VCF-style: chr9-97697274-C-T. GRCh37 (hg19) VCF-style: chr9-100459556-C-T.
Other names: c.-1131G>A (NM_001354975.2); short protein forms A7T.
Identifiers: ClinVar variation 2186199 (VCV002186199.1), dbSNP rs776601238, ClinGen allele CA5148938.